The following is an entry in ClinVar:

NM_018180.3(DHX32):c.1126G>A (p.Val376Ile)

Genes: BCCIP (BRCA2 and CDKN1A interacting protein; plus strand), DHX32 (DEAH-box helicase 32 (putative); minus strand). Cytogenetic location: 10q26.2.
Variant type: single nucleotide variant.
Coding change: c.1126G>A on transcript NM_018180.3 (MANE Select); coding-DNA position 1126, G replaced by A.
Protein change: p.Val376Ile; replaces valine 376 with isoleucine.
Molecular consequence: missense variant. On other transcripts: intron variant (1).
Genome position (GRCh38, 1-based): chr10:125,852,609, C>T on the plus strand (G>A on the coding strand, the complement: DHX32 is on the minus strand). VCF-style: chr10-125852609-C-T. GRCh37 (hg19) VCF-style: chr10-127541178-C-T.
Other names: c.851-516C>T (NM_016567.4); short protein forms V376I.
Identifiers: ClinVar variation 1428444 (VCV001428444.6), dbSNP rs367911803, ClinGen allele CA5739267.
Genomic context (GRCh38, chr10:125,852,609, plus strand): 5'-AAGATGAGCCAAGAATCTGCTTGCGTATCTCTGCCTGGCTCTGGCTGATGGGCTGCATGA[C>T]GAGCGAGTTTGCTCTTATTCTCGGGTTGTACACCTTTAAATGGAAAGACAGCATCATTAG-3'
Protein context (NP_060650.2, residues 366-386): YNPRIRANSL[Val376Ile]MQPISQSQAE

ClinVar aggregate classification (germline): Uncertain significance (1 of 4 stars; one submission).

Allele frequency attached by ClinVar (database versions not stated): gnomAD 0.00002; ExAC 0.00008; gnomAD exomes 0.00010 and 0.00004; ESP Exome Variant Server 0.00008.
gnomAD v4.1: 57 of 1,612,698 alleles (0.0035%); highest among the groups gnomAD compares: Admixed American, 0.027%; no homozygotes.

Submission:

Labcorp Genetics (formerly Invitae), Labcorp
Classification: Uncertain significance. Last evaluated: 2025-10-06. Review status: criteria provided, single submitter. Criteria: Invitae Variant Classification Sherloc (09022015). Collection method: clinical testing. Allele origin: germline.
Comment: This sequence change replaces valine, which is neutral and non-polar, with isoleucine, which is neutral and non-polar, at codon 376 of the DHX32 protein (p.Val376Ile). This variant is present in population databases (rs367911803, gnomAD 0.04%). This variant has not been reported in the literature in individuals affected with DHX32-related conditions. ClinVar contains an entry for this variant (Variation ID: 1428444). An algorithm developed to predict the effect of missense changes on protein structure and function outputs the following: PolyPhen-2: "Benign". The isoleucine amino acid residue is found in multiple mammalian species, which suggests that this missense change does not adversely affect protein function. In summary, the available evidence is currently insufficient to determine the role of this variant in disease. Therefore, it has been classified as a Variant of Uncertain Significance.